The following is an entry in ClinVar:

NM_017433.5(MYO3A):c.1162T>C (p.Ser388Pro)

Gene: MYO3A (myosin IIIA; plus strand). Cytogenetic location: 10p12.1.
Variant type: single nucleotide variant.
Coding change: c.1162T>C on transcript NM_017433.5 (MANE Select); coding-DNA position 1162, T replaced by C.
Protein change: p.Ser388Pro; replaces serine 388 with proline.
Molecular consequence: missense variant.
Genome position (GRCh38, 1-based): chr10:26,068,876, T>C. VCF-style: chr10-26068876-T-C. GRCh37 (hg19) VCF-style: chr10-26357805-T-C.
Other names: short protein forms S388P.
Identifiers: ClinVar variation 1305663 (VCV001305663.2), dbSNP rs917537176, ClinGen allele CA204345997.

ClinVar aggregate classification (germline): Uncertain significance (1 of 4 stars; one submission).

Allele frequency attached by ClinVar (database versions not stated): gnomAD exomes below 0.00001 and 0.00001; TOPMed 0.00001.
gnomAD v4.1: 11 of 1,565,922 alleles (0.0007%); highest among the groups gnomAD compares: Non-Finnish European, 0.00097%; no homozygotes.

Submission:

GeneDx
Classification: Uncertain significance. Last evaluated: 2019-05-07. Review status: criteria provided, single submitter. Criteria: GeneDx Variant Classification Process June 2021. Collection method: clinical testing. Allele origin: germline. Affected: yes.
Comment: In silico analysis, which includes protein predictors and evolutionary conservation, supports a deleterious effect; Has not been previously published as pathogenic or benign to our knowledge